The following is an entry in ClinVar:

NM_001256789.3(CACNA1F):c.850_853del (p.Ala284fs)

Gene: CACNA1F (calcium voltage-gated channel subunit alpha1 F; minus strand). Cytogenetic location: Xp11.23.
Variant type: Deletion.
Coding change: c.850_853del on transcript NM_001256789.3 (MANE Select); coding-DNA positions 850 to 853, 4 bases deleted (GCGT; older notation c.850_853delGCGT).
Protein change: p.Ala284fs; shifts the reading frame from alanine 284.
Molecular consequence: frameshift variant.
Genome position (GRCh38, 1-based): chrX:49,228,412-49,228,415, ACGC deleted on the plus strand (GCGT on the coding strand, the reverse complement: CACNA1F is on the minus strand); deleting any 4 consecutive bases within chrX:49,228,412-49,228,417 gives the same sequence; the c. name uses the placement nearest the transcript's 3' end. VCF-style (leftmost placement, unchanged base first): chrX-49228411-GACGC-G. GRCh37 (hg19) VCF-style: chrX-49084873-GACGC-G.
Other names: c.655_658del, p.Ala219fs (NM_001256790.3); c.850_853del, p.Ala284fs (NM_005183.4); short protein forms A219fs, A284fs.
Identifiers: ClinVar variation 2019851 (VCV002019851.4), dbSNP rs2519132097, ClinGen allele CA2580101109.
Genomic context (GRCh38, chrX:49,228,411, plus strand): 5'-CCTGGCCAGCGCCCGCGGCACTCAGTCTGGTTCAGCGTGCACGCACGCCCTGATCCCGAA[GACGC>G]ACAGGGCGATGGGTCCTCCTCCGCTTCCATGTCTGCAGGAAGACTGGAGCTTGGGGCTTC-3'

ClinVar aggregate classification (germline): Pathogenic (1 of 4 stars; one submission).

Submission:

Labcorp Genetics (formerly Invitae), Labcorp
Classification: Pathogenic. Last evaluated: 2022-07-27. Review status: criteria provided, single submitter. Criteria: Invitae Variant Classification Sherloc (09022015). Collection method: clinical testing. Allele origin: germline.
Comment: This sequence change creates a premature translational stop signal (p.Ala284Leufs*10) in the CACNA1F gene. It is expected to result in an absent or disrupted protein product. Loss-of-function variants in CACNA1F are known to be pathogenic (PMID: 9662399, 11281458, 17525176, 22194652, 24124559, 26992781). This variant is not present in population databases (gnomAD no frequency). This variant has not been reported in the literature in individuals affected with CACNA1F-related conditions. For these reasons, this variant has been classified as Pathogenic.

Literature cited by the submitters: PubMed 9662399; PubMed 11281458; PubMed 17525176; PubMed 22194652; PubMed 24124559; PubMed 26992781.